The following is an entry in ClinVar:

NM_001148.6(ANK2):c.2579A>C (p.Glu860Ala)

Gene: ANK2 (ankyrin 2; plus strand). Cytogenetic location: 4q26.
Variant type: single nucleotide variant.
Coding change: c.2579A>C on transcript NM_001148.6 (MANE Select); coding-DNA position 2579, A replaced by C.
Protein change: p.Glu860Ala; replaces glutamic acid 860 with alanine.
Molecular consequence: missense variant.
Genome position (GRCh38, 1-based): chr4:113,311,285, A>C. VCF-style: chr4-113311285-A-C. GRCh37 (hg19) VCF-style: chr4-114232441-A-C.
Other names: c.2516A>C, p.Glu839Ala (NM_001127493.3, NM_001354239.2, NM_001354243.2 and 10 more transcripts); c.2579A>C, p.Glu860Ala (NM_001354225.2, NM_001354228.2, NM_001354232.2 and 6 more transcripts); c.2624A>C, p.Glu875Ala (NM_001354230.2, NM_001354231.2, NM_001354237.2 and 5 more transcripts); c.2480A>C, p.Glu827Ala (NM_001354245.2, NM_001354268.2); c.2492A>C, p.Glu831Ala (NM_001354249.2, NM_001354264.2, NM_001354266.2 and 10 more transcripts); c.2417A>C, p.Glu806Ala (NM_001354253.2, NM_001354257.2, NM_001354270.2 and 1 more transcripts); c.2393A>C, p.Glu798Ala (NM_001354260.2, NM_001354271.2, NM_001386151.1); c.2537A>C, p.Glu846Ala (NM_001354261.2, NM_001386147.1, NM_001386160.1); and 9 more; short protein forms E790A, E794A, E732A, E765A, E839A, E846A, E848A, E69A.
Identifiers: ClinVar variation 1353394 (VCV001353394.11), dbSNP rs2079826770, ClinGen allele CA357926856.
Genomic context (GRCh38, chr4:113,311,285, plus strand): 5'-AATCCTGCTTCTTCCTCTGATTGTTTCAAGGTGATGACACAATGACTGGTGATGGGGGAG[A>C]ATACCTTAGGCCTGAGGACCTAAAAGAACTGGGTGATGACTCACTACCCAGCAGTCAGTT-3'
Protein context (NP_001139.3, residues 850-870): GDDTMTGDGG[Glu860Ala]YLRPEDLKEL

ClinVar aggregate classification (germline): Uncertain significance. Review status: criteria provided, multiple submitters, no conflicts (2 of 4 stars). 2 submissions from 2 submitters: Uncertain significance (2). Last evaluated 2025-08-25.

Conditions:
Long QT syndrome (LQTS). Identifiers: MedGen C0023976, MeSH D008133, MONDO:0002442. Disease mechanism: loss of function. Inheritance: Various modes of inheritance.
Cardiovascular phenotype. Identifiers: MedGen CN230736.

Allele frequency attached by ClinVar (database versions not stated): TOPMed below 0.00001.

Submissions (2):

Ambry Genetics
Classification: Uncertain significance for Cardiovascular phenotype. Last evaluated: 2025-08-25. Review status: criteria provided, single submitter. Criteria: Ambry Variant Classification Scheme 2023. Collection method: clinical testing. Allele origin: germline.

Labcorp Genetics (formerly Invitae), Labcorp
Classification: Uncertain significance for Long QT syndrome. Last evaluated: 2021-05-30. Review status: criteria provided, single submitter. Criteria: Invitae Variant Classification Sherloc (09022015). Collection method: clinical testing. Allele origin: germline.
Comment: In summary, the available evidence is currently insufficient to determine the role of this variant in disease. Therefore, it has been classified as a Variant of Uncertain Significance. Algorithms developed to predict the effect of missense changes on protein structure and function are either unavailable or do not agree on the potential impact of this missense change (SIFT: "Deleterious"; PolyPhen-2: "Benign"; Align-GVGD: "Class C0"). This variant has not been reported in the literature in individuals with ANK2-related conditions. This variant is not present in population databases (ExAC no frequency). This sequence change replaces glutamic acid with alanine at codon 860 of the ANK2 protein (p.Glu860Ala). The glutamic acid residue is highly conserved and there is a moderate physicochemical difference between glutamic acid and alanine.